The following is an entry in ClinVar:

NM_001347721.2(DYRK1A):c.1838_1839delinsTTGTT (p.Gln613delinsLeuVal)

Gene: DYRK1A (dual specificity tyrosine phosphorylation regulated kinase 1A; plus strand). Cytogenetic location: 21q22.13.
Variant type: Indel.
Coding change: c.1838_1839delinsTTGTT on transcript NM_001347721.2 (MANE Select); coding-DNA positions 1838 to 1839, AA replaced by TTGTT.
Protein change: p.Gln613delinsLeuVal.
Molecular consequence: inframe indel. On other transcripts: 3 prime UTR variant (2).
Genome position (GRCh38, 1-based): chr21:37,512,104-37,512,105, AA replaced by TTGTT. VCF-style: chr21-37512104-AA-TTGTT. GRCh37 (hg19) VCF-style: chr21-38884407-AA-TTGTT.
Other names: c.1838_1839delinsTTGTT, p.Gln613delinsLeuVal (NM_001347722.2, NM_130436.2); c.1751_1752delinsTTGTT, p.Gln584delinsLeuVal (NM_001347723.2); c.1865_1866delinsTTGTT, p.Gln622delinsLeuVal (NM_001396.5); c.*241_*242delinsTTGTT (NM_101395.2); c.*150_*151delinsTTGTT (NM_130438.2).
Identifiers: ClinVar variation 3253219 (VCV003253219.2), dbSNP rs2518096520.

ClinVar aggregate classification (germline): Uncertain significance. Review status: criteria provided, multiple submitters, no conflicts (2 of 4 stars). 2 submissions from 2 submitters: Uncertain significance (2). Last evaluated 2026-07-11.

Conditions:
DYRK1A-related intellectual disability syndrome (MRD7). Also called: Intellectual developmental disorder, autosomal dominant 7; DYRK1A Syndrome. Identifiers: Orphanet 464306, MedGen C5568143, MONDO:0013578, OMIM 614104.

Submissions (2):

Victorian Clinical Genetics Services, Murdoch Childrens Research Institute
Classification: Uncertain significance for DYRK1A-related intellectual disability syndrome. Last evaluated: 2026-07-11. Review status: criteria provided, single submitter. Criteria: ACMG Guidelines, 2015. Collection method: clinical testing. Allele origin: germline. Affected: yes.
Comment: This variant is classified as VUS-3B. Evidence in support of pathogenic classification: In-frame deletion-insertion in a non-repetitive region that has high conservation; This variant is absent from gnomAD v4. Additional information: This variant is heterozygous; This gene is associated with autosomal dominant disease; Previous evidence of pathogenicity for this variant is inconclusive. This variant has been classified as VUS by a clinical laboratory in ClinVar; No published evidence of segregation with disease has been identified for this variant; No published functional evidence has been identified for this variant; No comparable variants have previous evidence for pathogenicity; Variant is not located in an established domain, motif, hotspot or informative constraint region; Loss of function is a known mechanism of disease in this gene and is associated with intellectual developmental disorder, autosomal dominant 7 (MIM#614104); Inheritance information for this variant is not currently available in this individual.

GeneDx
Classification: Uncertain significance. Last evaluated: 2024-05-28. Review status: criteria provided, single submitter. Criteria: GeneDx Variant Classification Process June 2021. Collection method: clinical testing. Allele origin: germline. Affected: yes.
Comment: Not observed in large population cohorts (gnomAD); In-frame deletion of 1 amino acid and insertion of 2 amino acids in a non-repeat region; In silico analysis supports that this variant does not alter protein structure/function; Has not been previously published as pathogenic or benign to our knowledge